The following is an entry in ClinVar:

ClinVar aggregate classification (germline): Uncertain significance (1 of 4 stars; one submission).

Conditions:
Cockayne syndrome. Identifiers: Orphanet 191, MedGen C0009207, MONDO:0016006.
Xeroderma pigmentosum, group F (XPF). Also called: XERODERMA PIGMENTOSUM, TYPE F; Xeroderma pigmentosum, type 6; ERCC4-Related Xeroderma Pigmentosum; XERODERMA PIGMENTOSUM, COMPLEMENTATION GROUP F; XERODERMA PIGMENTOSUM VI; XP, GROUP F. Identifiers: MedGen C0268140, MONDO:0010215, OMIM 278760.
Fanconi anemia complementation group Q. Identifiers: Orphanet 84, MedGen C3808988, MONDO:0014108, OMIM 615272.

Allele frequency attached by ClinVar (database versions not stated): ExAC 0.00001; gnomAD exomes 0.00001; TOPMed 0.00001; gnomAD 0.00002.

Submission:

Labcorp Genetics (formerly Invitae), Labcorp
Classification: Uncertain significance for Fanconi anemia complementation group Q; Xeroderma pigmentosum, group F; Cockayne syndrome. Last evaluated: 2022-08-19. Review status: criteria provided, single submitter. Criteria: Invitae Variant Classification Sherloc (09022015). Collection method: clinical testing. Allele origin: germline.
Comment: This sequence change replaces isoleucine, which is neutral and non-polar, with valine, which is neutral and non-polar, at codon 831 of the ERCC4 protein (p.Ile831Val). This variant is present in population databases (rs746694351, gnomAD 0.007%). This variant has not been reported in the literature in individuals affected with ERCC4-related conditions. Algorithms developed to predict the effect of missense changes on protein structure and function output the following: SIFT: "Tolerated"; PolyPhen-2: "Benign"; Align-GVGD: "Class C0". The valine amino acid residue is found in multiple mammalian species, which suggests that this missense change does not adversely affect protein function. In summary, the available evidence is currently insufficient to determine the role of this variant in disease. Therefore, it has been classified as a Variant of Uncertain Significance.

NM_005236.3(ERCC4):c.2491A>G (p.Ile831Val)

Gene: ERCC4 (ERCC excision repair 4, endonuclease catalytic subunit; plus strand). Cytogenetic location: 16p13.12.
Variant type: single nucleotide variant.
Coding change: c.2491A>G on transcript NM_005236.3 (MANE Select); coding-DNA position 2491, A replaced by G.
Protein change: p.Ile831Val; replaces isoleucine 831 with valine.
Molecular consequence: missense variant.
Genome position (GRCh38, 1-based): chr16:13,948,087, A>G. VCF-style: chr16-13948087-A-G. GRCh37 (hg19) VCF-style: chr16-14041944-A-G.
Other names: short protein forms I831V.
Identifiers: ClinVar variation 2104470 (VCV002104470.4), dbSNP rs746694351, ClinGen allele CA7910751.